The following is an entry in ClinVar:

NM_004813.4(PEX16):c.821T>C (p.Leu274Pro)

Gene: PEX16 (peroxisomal biogenesis factor 16; minus strand). Cytogenetic location: 11p11.2.
Variant type: single nucleotide variant.
Coding change: c.821T>C on transcript NM_004813.4 (MANE Select); coding-DNA position 821, T replaced by C.
Protein change: p.Leu274Pro; replaces leucine 274 with proline.
Molecular consequence: missense variant.
Genome position (GRCh38, 1-based): chr11:45,913,885, A>G on the plus strand (T>C on the coding strand, the complement: PEX16 is on the minus strand). VCF-style: chr11-45913885-A-G. GRCh37 (hg19) VCF-style: chr11-45935436-A-G.
Other names: c.821T>C, p.Leu274Pro (NM_057174.3); short protein forms L274P.
Identifiers: ClinVar variation 1370085 (VCV001370085.6), dbSNP rs2134691868, ClinGen allele CA380226065.
Genomic context (GRCh38, chr11:45,913,885, plus strand): 5'-AAGCGGTCATAGAAAGGAGAGCGCAGCAGGTAGTAGAGCAGCAGGATGGTCCGGCGCCGC[A>G]GCTCCCGCCGCTCCCTCCGGGTCAGGCCCTTTCTGTCACTCAGGAGGCTCAGGCTGGGAG-3'
Protein context (NP_004804.2, residues 264-284): KGLTRRERRE[Leu274Pro]RRRTILLLYY

ClinVar aggregate classification (germline): Uncertain significance (1 of 4 stars; one submission).

Conditions:
Peroxisome biogenesis disorder. Identifiers: Orphanet 79189, MedGen C1832200, MONDO:0019234. Disease mechanism: loss of function.

Allele frequency attached by ClinVar (database versions not stated): gnomAD exomes below 0.00001.
gnomAD v4.1: 1 of 1,611,432 alleles (0.000062%); highest among the groups gnomAD compares: Non-Finnish European, 0.000085%; no homozygotes.

Submission:

Labcorp Genetics (formerly Invitae), Labcorp
Classification: Uncertain significance for Peroxisome biogenesis disorder. Last evaluated: 2021-12-15. Review status: criteria provided, single submitter. Criteria: Invitae Variant Classification Sherloc (09022015). Collection method: clinical testing. Allele origin: germline.
Comment: This sequence change replaces leucine, which is neutral and non-polar, with proline, which is neutral and non-polar, at codon 274 of the PEX16 protein (p.Leu274Pro). This variant is not present in population databases (gnomAD no frequency). This variant has not been reported in the literature in individuals affected with PEX16-related conditions. Algorithms developed to predict the effect of missense changes on protein structure and function are either unavailable or do not agree on the potential impact of this missense change (SIFT: "Deleterious"; PolyPhen-2: "Probably Damaging"; Align-GVGD: "Class C0"). In summary, the available evidence is currently insufficient to determine the role of this variant in disease. Therefore, it has been classified as a Variant of Uncertain Significance.